The following is an entry in ClinVar:

NM_001282531.3(ADNP):c.1162G>C (p.Ala388Pro)

Gene: ADNP (activity dependent neuroprotector homeobox; minus strand). Cytogenetic location: 20q13.13.
Variant type: single nucleotide variant.
Coding change: c.1162G>C on transcript NM_001282531.3 (MANE Select); coding-DNA position 1162, G replaced by C.
Protein change: p.Ala388Pro; replaces alanine 388 with proline.
Molecular consequence: missense variant.
Genome position (GRCh38, 1-based): chr20:50,893,552, C>G on the plus strand (G>C on the coding strand, the complement: ADNP is on the minus strand). VCF-style: chr20-50893552-C-G. GRCh37 (hg19) VCF-style: chr20-49510089-C-G.
Other names: c.1162G>C, p.Ala388Pro (NM_001282532.2, NM_001347511.2, NM_015339.5 and 1 more transcripts); short protein forms A388P.
Identifiers: ClinVar variation 3355959 (VCV003355959.2).

ClinVar aggregate classification (germline): Uncertain significance (1 of 4 stars; one submission).

Conditions:
ADNP-related disorder. Also called: ADNP-related condition.

Submission:

PreventionGenetics, part of Exact Sciences
Classification: Uncertain significance for ADNP-related condition. Last evaluated: 2025-11-19. Review status: criteria provided, single submitter. Criteria: ACMG Guidelines, 2015. Collection method: clinical testing. Allele origin: germline.
Comment: The ADNP c.1162G>C variant is predicted to result in the amino acid substitution p.Ala388Pro. To our knowledge, this variant has not been reported in the literature or in a large population database (gnomAD), indicating this variant is rare. At this time, the clinical significance of this variant is uncertain due to the absence of conclusive functional and genetic evidence.